The following is an entry in ClinVar:

NM_001127222.2(CACNA1A):c.3524C>T (p.Pro1175Leu)

Gene: CACNA1A (calcium voltage-gated channel subunit alpha1 A; minus strand). Cytogenetic location: 19p13.13.
Variant type: single nucleotide variant.
Coding change: c.3524C>T on transcript NM_001127222.2 (MANE Select); coding-DNA position 3524, C replaced by T.
Protein change: p.Pro1175Leu; replaces proline 1175 with leucine.
Molecular consequence: missense variant.
Genome position (GRCh38, 1-based): chr19:13,286,532, G>A on the plus strand (C>T on the coding strand, the complement: CACNA1A is on the minus strand). VCF-style: chr19-13286532-G-A. GRCh37 (hg19) VCF-style: chr19-13397346-G-A.
Other names: c.3536C>T, p.Pro1179Leu (NM_000068.4, NM_023035.3); c.3527C>T, p.Pro1176Leu (NM_001127221.2, NM_001174080.2); short protein forms P1175L, P1176L, P1179L.
Identifiers: ClinVar variation 3377829 (VCV003377829.1).
Genomic context (GRCh38, chr19:13,286,532, plus strand): 5'-TGCCCAGTGATGTGAGAGCAGAGGGTCTCACCTTGTACGACGGTGTGGTTGAGGGGGGGT[G>A]GGCAGGCTGGGGGGATGTCCACTGTGGTGTGGTCGGGTTTCCTGGCAGTCTTAGCTGAAT-3'
Protein context (NP_001120694.1, residues 1165-1185): HTTVDIPPAC[Pro1175Leu]PPLNHTVVQV

ClinVar aggregate classification (germline): Uncertain significance (1 of 4 stars; one submission).

Submission:

GeneDx
Classification: Uncertain significance. Last evaluated: 2024-05-14. Review status: criteria provided, single submitter. Criteria: GeneDx Variant Classification Process June 2021. Collection method: clinical testing. Allele origin: germline. Affected: yes.
Comment: Has not been previously published as pathogenic or benign to our knowledge; Not observed at significant frequency in large population cohorts (gnomAD); In silico analysis supports that this missense variant has a deleterious effect on protein structure/function